The following is an entry in ClinVar:

NM_004836.7(EIF2AK3):c.119C>A (p.Thr40Lys)

Gene: EIF2AK3 (eukaryotic translation initiation factor 2 alpha kinase 3; minus strand). Cytogenetic location: 2p11.2.
Variant type: single nucleotide variant.
Coding change: c.119C>A on transcript NM_004836.7 (MANE Select); coding-DNA position 119, C replaced by A.
Protein change: p.Thr40Lys; replaces threonine 40 with lysine.
Molecular consequence: missense variant.
Genome position (GRCh38, 1-based): chr2:88,627,156, G>T on the plus strand (C>A on the coding strand, the complement: EIF2AK3 is on the minus strand). VCF-style: chr2-88627156-G-T. GRCh37 (hg19) VCF-style: chr2-88926674-G-T.
Other names: short protein forms T40K.
Identifiers: ClinVar variation 3725522 (VCV003725522.2).
Genomic context (GRCh38, chr2:88,627,156, plus strand): 5'-GGTACTCGCGTCGCTGAGGTGGGAGCAGCGGCCGCCCCGAGGCCGAACGCCGCCTCCGCC[G>T]TCGGCGCTGGGAGGCCACGGGCGCGCCCCGCGGCCACCGTCCTTGCCGCGAGCCCCAGCA-3'
Protein context (NP_004827.4, residues 30-50): AGRARGLPAP[Thr40Lys]AEAAFGLGAA

ClinVar aggregate classification (germline): Uncertain significance (1 of 4 stars; one submission).

Submission:

Labcorp Genetics (formerly Invitae), Labcorp
Classification: Uncertain significance. Last evaluated: 2024-11-18. Review status: criteria provided, single submitter. Criteria: Invitae Variant Classification Sherloc (09022015). Collection method: clinical testing. Allele origin: germline.
Comment: This sequence change replaces threonine, which is neutral and polar, with lysine, which is basic and polar, at codon 40 of the EIF2AK3 protein (p.Thr40Lys). This variant is not present in population databases (gnomAD no frequency). This variant has not been reported in the literature in individuals affected with EIF2AK3-related conditions. An algorithm developed to predict the effect of missense changes on protein structure and function outputs the following: PolyPhen-2: "Not Available". The lysine amino acid residue is found in multiple mammalian species, which suggests that this missense change does not adversely affect protein function. In summary, the available evidence is currently insufficient to determine the role of this variant in disease. Therefore, it has been classified as a Variant of Uncertain Significance.